The following is an entry in ClinVar:

NM_002907.4(RECQL):c.1765C>G (p.Gln589Glu)

Genes: PYROXD1 (pyridine nucleotide-disulphide oxidoreductase domain 1; plus strand), RECQL (RecQ like helicase; minus strand). Cytogenetic location: 12p12.1.
Variant type: single nucleotide variant.
Coding change: c.1765C>G on transcript NM_002907.4 (MANE Select); coding-DNA position 1765, C replaced by G.
Protein change: p.Gln589Glu; replaces glutamine 589 with glutamic acid.
Molecular consequence: missense variant. On other transcripts: 3 prime UTR variant (3).
Genome position (GRCh38, 1-based): chr12:21,471,001, G>C on the plus strand (C>G on the coding strand, the complement: RECQL is on the minus strand). VCF-style: chr12-21471001-G-C. GRCh37 (hg19) VCF-style: chr12-21623935-G-C.
Other names: c.1765C>G, p.Gln589Glu (NM_032941.3); c.*2247G>C (NM_001350912.2, NM_001350913.2, NM_024854.5); short protein forms Q589E.
Identifiers: ClinVar variation 1406851 (VCV001406851.11), dbSNP rs753139296, ClinGen allele CA6478656.

ClinVar aggregate classification (germline): Uncertain significance. Review status: criteria provided, multiple submitters, no conflicts (2 of 4 stars). 2 submissions from 2 submitters: Uncertain significance (2). Last evaluated 2025-02-12.

Allele frequency attached by ClinVar (database versions not stated): gnomAD exomes below 0.00001; ExAC 0.00001; gnomAD 0.00006; TOPMed 0.00011.
gnomAD v4.1: 13 of 1,567,908 alleles (0.00083%); highest among the groups gnomAD compares: African/African-American, 0.015%; no homozygotes.

Submissions (2):

Ambry Genetics
Classification: Uncertain significance. Last evaluated: 2025-02-12. Review status: criteria provided, single submitter. Criteria: Ambry Variant Classification Scheme 2023. Collection method: clinical testing. Allele origin: germline.
Comment: The p.Q589E variant (also known as c.1765C>G), located in coding exon 13 of the RECQL gene, results from a C to G substitution at nucleotide position 1765. The glutamine at codon 589 is replaced by glutamic acid, an amino acid with highly similar properties. This amino acid position is not well conserved in available vertebrate species. In addition, this alteration is predicted to be tolerated by in silico analysis. Since supporting evidence is limited at this time, the clinical significance of this alteration remains unclear.

Labcorp Genetics (formerly Invitae), Labcorp
Classification: Uncertain significance. Last evaluated: 2021-03-07. Review status: criteria provided, single submitter. Criteria: Invitae Variant Classification Sherloc (09022015). Collection method: clinical testing. Allele origin: germline.
Comment: This sequence change replaces glutamine with glutamic acid at codon 589 of the RECQL protein (p.Gln589Glu). The glutamine residue is moderately conserved and there is a small physicochemical difference between glutamine and glutamic acid. This variant is present in population databases (rs753139296, ExAC 0.01%). This variant has not been reported in the literature in individuals with RECQL-related conditions. Algorithms developed to predict the effect of missense changes on protein structure and function are either unavailable or do not agree on the potential impact of this missense change (SIFT: "Deleterious"; PolyPhen-2: "Benign"; Align-GVGD: "Class C0"). In summary, the available evidence is currently insufficient to determine the role of this variant in disease. Therefore, it has been classified as a Variant of Uncertain Significance.